The following is an entry in ClinVar:

ClinVar aggregate classification (germline): Conflicting classifications of pathogenicity. Review status: criteria provided, conflicting classifications (1 of 4 stars). 5 submissions from 5 submitters: Uncertain significance (1); Likely benign (3). 1 of the submissions does not count toward it. Last evaluated 2025-12-15.

Conditions:
Glycine encephalopathy 1 (GCE1). Identifiers: MedGen CN376801, MONDO:0958179, OMIM 605899.
Glycine encephalopathy. Also called: Nonketotic hyperglycinemia; Non-ketotic hyperglycinemia. Identifiers: Orphanet 407, MedGen C0751748, MONDO:0011612, HP:0008288.

Allele frequency attached by ClinVar (database versions not stated): gnomAD 0.00001; TOPMed 0.00001.
gnomAD v4.1: 35 of 1,613,032 alleles (0.0022%); highest among the groups gnomAD compares: Middle Eastern, 0.049%; no homozygotes.

Submissions (5):

Labcorp Genetics (formerly Invitae), Labcorp
Classification: Likely benign for Glycine encephalopathy. Last evaluated: 2025-12-15. Review status: criteria provided, single submitter. Criteria: Invitae Variant Classification Sherloc (09022015). Collection method: clinical testing. Allele origin: germline.

Blueprint Genetics
Classification: Likely benign. Last evaluated: 2023-12-07. Review status: criteria provided, single submitter. Criteria: ACMG Guidelines, 2015. Collection method: clinical testing. Allele origin: germline.

CeGaT Center for Human Genetics Tuebingen
Classification: Likely benign. Last evaluated: 2022-10-01. Review status: criteria provided, single submitter. Criteria: CeGaT Center For Human Genetics Tuebingen Variant Classification Criteria Version 2. Collection method: clinical testing. Allele origin: germline. Affected: yes. Observed: 1 variant allele.
Comment: AMT: BP4, BP7

Illumina Laboratory Services, Illumina
Classification: Uncertain significance for Glycine encephalopathy 1. Last evaluated: 2018-01-12. Review status: criteria provided, single submitter. Criteria: ICSL Variant Classification Criteria 13 December 2019. Collection method: clinical testing. Allele origin: germline.

Counsyl
Classification: Likely benign for Glycine encephalopathy 1. Last evaluated: 2017-07-05. Review status: no assertion criteria provided. Collection method: clinical testing. Allele origin: unknown. Not counted in ClinVar's aggregate classification.

NM_000481.4(AMT):c.84C>T (p.Cys28=)

Genes: NICN1 (nicolin 1, tubulin polyglutamylase complex subunit; minus strand), AMT (aminomethyltransferase; minus strand). Cytogenetic location: 3p21.31.
Variant type: single nucleotide variant.
Coding change: c.84C>T on transcript NM_000481.4 (MANE Select); coding-DNA position 84, C replaced by T.
Protein change: p.Cys28=; no amino-acid change (cysteine 28 retained).
Molecular consequence: synonymous variant. On other transcripts: non-coding transcript variant (1), 3 prime UTR variant (1).
Genome position (GRCh38, 1-based): chr3:49,422,367, G>A on the plus strand (C>T on the coding strand, the complement: AMT is on the minus strand). VCF-style: chr3-49422367-G-A. GRCh37 (hg19) VCF-style: chr3-49459800-G-A.
Other names: c.84C>T, p.Cys28= (NM_001164710.2, NM_001164711.2, NM_001164712.2); c.*2466C>T (NM_032316.3).
Identifiers: ClinVar variation 346038 (VCV000346038.39), dbSNP rs763223038, ClinGen allele CA2398492.